The following is an entry in ClinVar:

NM_001372044.2(SHANK3):c.2246G>A (p.Arg749Gln)

Gene: SHANK3 (SH3 and multiple ankyrin repeat domains 3; plus strand). Cytogenetic location: 22q13.33.
Variant type: single nucleotide variant.
Coding change: c.2246G>A on transcript NM_001372044.2 (MANE Select); coding-DNA position 2246, G replaced by A.
Protein change: p.Arg749Gln; replaces arginine 749 with glutamine.
Molecular consequence: missense variant.
Genome position (GRCh38, 1-based): chr22:50,705,088, G>A. VCF-style: chr22-50705088-G-A. GRCh37 (hg19) VCF-style: chr22-51143516-G-A.
Other names: c.2021G>A (NM_033517.1); short protein forms R749Q.
Identifiers: ClinVar variation 3257653 (VCV003257653.17).
Genomic context (GRCh38, chr22:50,705,088, plus strand): 5'-GCAACCGCCTCGTCATGAAGGTTGTGTCTGTGACAAGGAAGCCAGAAGAGGACGGGGCTC[G>A]GCGCAGAGGTGAGGGGTCACGCTTCAGGCCTCTGTGCCCAAACTTTCCCCTGACCTTAGA-3'
Protein context (NP_001358973.1, residues 739-759): VTRKPEEDGA[Arg749Gln]RRAPPPPKRA

ClinVar aggregate classification (germline): Uncertain significance. Review status: criteria provided, multiple submitters, no conflicts (2 of 4 stars). 2 submissions from 2 submitters: Uncertain significance (2). Last evaluated 2024-06-01.

Submissions (2):

CeGaT Center for Human Genetics Tuebingen
Classification: Uncertain significance. Last evaluated: 2024-06-01. Review status: criteria provided, single submitter. Criteria: CeGaT Center For Human Genetics Tuebingen Variant Classification Criteria Version 2. Collection method: clinical testing. Allele origin: germline. Affected: yes. Observed: 1 variant allele.
Comment: SHANK3: PM2:Supporting

GeneDx
Classification: Uncertain significance. Last evaluated: 2023-10-30. Review status: criteria provided, single submitter. Criteria: GeneDx Variant Classification Process June 2021. Collection method: clinical testing. Allele origin: germline. Affected: yes.
Comment: In silico analysis supports that this missense variant has a deleterious effect on protein structure/function; Has not been previously published as pathogenic or benign to our knowledge